The following is an entry in ClinVar:

NM_004863.4(SPTLC2):c.1243G>A (p.Val415Ile)

Gene: SPTLC2 (serine palmitoyltransferase long chain base subunit 2; minus strand). Cytogenetic location: 14q24.3.
Variant type: single nucleotide variant.
Coding change: c.1243G>A on transcript NM_004863.4 (MANE Select); coding-DNA position 1243, G replaced by A.
Protein change: p.Val415Ile; replaces valine 415 with isoleucine.
Molecular consequence: missense variant.
Genome position (GRCh38, 1-based): chr14:77,552,156, C>T on the plus strand (G>A on the coding strand, the complement: SPTLC2 is on the minus strand). VCF-style: chr14-77552156-C-T. GRCh37 (hg19) VCF-style: chr14-78018499-C-T.
Other names: short protein forms V415I.
Identifiers: ClinVar variation 1758882 (VCV001758882.2), dbSNP rs2140017685, ClinGen allele CA390707190.

ClinVar aggregate classification (germline): Uncertain significance (1 of 4 stars; one submission).

Conditions:
Inborn genetic diseases. Identifiers: MedGen C0950123, MeSH D030342.

Allele frequency attached by ClinVar (database versions not stated): gnomAD exomes below 0.00001.

Submission:

Ambry Genetics
Classification: Uncertain significance for Inborn genetic diseases. Last evaluated: 2022-05-03. Review status: criteria provided, single submitter. Criteria: Ambry Variant Classification Scheme 2023. Collection method: clinical testing. Allele origin: germline.
Comment: The p.V415I variant (also known as c.1243G>A), located in coding exon 9 of the SPTLC2 gene, results from a G to A substitution at nucleotide position 1243. The valine at codon 415 is replaced by isoleucine, an amino acid with highly similar properties. This amino acid position is conserved. In addition, the in silico prediction for this alteration is inconclusive. Since supporting evidence is limited at this time, the clinical significance of this alteration remains unclear.